The following is an entry in ClinVar:

NM_001142800.2(EYS):c.5567G>A (p.Arg1856Gln)

Gene: EYS (EGF-like photoreceptor maintenance factor; minus strand). Cytogenetic location: 6q12.
Variant type: single nucleotide variant.
Coding change: c.5567G>A on transcript NM_001142800.2 (MANE Select); coding-DNA position 5567, G replaced by A.
Protein change: p.Arg1856Gln; replaces arginine 1856 with glutamine.
Molecular consequence: missense variant.
Genome position (GRCh38, 1-based): chr6:64,590,300, C>T on the plus strand (G>A on the coding strand, the complement: EYS is on the minus strand). VCF-style: chr6-64590300-C-T. GRCh37 (hg19) VCF-style: chr6-65300193-C-T.
Other names: c.5567G>A, p.Arg1856Gln (NM_001292009.2); short protein forms R1856Q.
Identifiers: ClinVar variation 965531 (VCV000965531.8), dbSNP rs563441026, ClinGen allele CA140340863.

ClinVar aggregate classification (germline): Conflicting classifications of pathogenicity. Review status: criteria provided, conflicting classifications (1 of 4 stars). 4 submissions from 4 submitters: Uncertain significance (2); Likely benign (1). 1 of the submissions does not count toward it. Last evaluated 2024-06-20.

Conditions:
Inborn genetic diseases. Identifiers: MedGen C0950123, MeSH D030342.
Autosomal recessive retinitis pigmentosa. Identifiers: MedGen C0339526.

Allele frequency attached by ClinVar (database versions not stated): gnomAD exomes 0.00004 and 0.00008; gnomAD 0.00009; TOPMed 0.00012; 1000 Genomes Project 30x 0.00016; 1000 Genomes Project 0.00020.
gnomAD v4.1: 124 of 1,551,074 alleles (0.008%); highest among the groups gnomAD compares: Middle Eastern, 0.017%; no homozygotes.

Submissions (4):

Blueprint Genetics
Classification: Uncertain significance. Last evaluated: 2024-06-20. Review status: criteria provided, single submitter. Criteria: ACMG Guidelines, 2015. Collection method: clinical testing. Allele origin: germline.

Ambry Genetics
Classification: Likely benign for Inborn genetic diseases. Last evaluated: 2023-06-21. Review status: criteria provided, single submitter. Criteria: Ambry Variant Classification Scheme 2023. Collection method: clinical testing. Allele origin: germline.

Labcorp Genetics (formerly Invitae), Labcorp
Classification: Uncertain significance. Last evaluated: 2022-08-16. Review status: criteria provided, single submitter. Criteria: Invitae Variant Classification Sherloc (09022015). Collection method: clinical testing. Allele origin: germline.
Comment: This sequence change replaces arginine, which is basic and polar, with glutamine, which is neutral and polar, at codon 1856 of the EYS protein (p.Arg1856Gln). This variant is present in population databases (rs563441026, gnomAD 0.01%). This variant has not been reported in the literature in individuals affected with EYS-related conditions. ClinVar contains an entry for this variant (Variation ID: 965531). Algorithms developed to predict the effect of missense changes on protein structure and function output the following: SIFT: "Tolerated"; PolyPhen-2: "Benign"; Align-GVGD: "Class C0". The glutamine amino acid residue is found in multiple mammalian species, which suggests that this missense change does not adversely affect protein function. In summary, the available evidence is currently insufficient to determine the role of this variant in disease. Therefore, it has been classified as a Variant of Uncertain Significance.

Natera, Inc.
Classification: Uncertain significance for Autosomal recessive retinitis pigmentosa. Last evaluated: 2020-08-24. Review status: no assertion criteria provided. Collection method: clinical testing. Allele origin: germline. Not counted in ClinVar's aggregate classification.